The following is an entry in ClinVar:

NM_133372.3(FNIP1):c.2597T>C (p.Met866Thr)

Gene: FNIP1 (folliculin interacting protein 1; minus strand). Cytogenetic location: 5q31.1.
Variant type: single nucleotide variant.
Coding change: c.2597T>C on transcript NM_133372.3 (MANE Select); coding-DNA position 2597, T replaced by C.
Protein change: p.Met866Thr; replaces methionine 866 with threonine.
Molecular consequence: missense variant.
Genome position (GRCh38, 1-based): chr5:131,671,847, A>G on the plus strand (T>C on the coding strand, the complement: FNIP1 is on the minus strand). VCF-style: chr5-131671847-A-G. GRCh37 (hg19) VCF-style: chr5-131007540-A-G.
Other names: c.2513T>C, p.Met838Thr (NM_001008738.3); c.2462T>C, p.Met821Thr (NM_001346114.2); short protein forms M821T, M866T, M838T.
Identifiers: ClinVar variation 2803920 (VCV002803920.3), dbSNP rs1184938316, ClinGen allele CA360789055.

ClinVar aggregate classification (germline): Uncertain significance (1 of 4 stars; one submission).

Allele frequency attached by ClinVar (database versions not stated): TOPMed below 0.00001.
gnomAD v4.1: 4 of 1,614,096 alleles (0.00025%); highest among the groups gnomAD compares: Non-Finnish European, 0.00025%; no homozygotes.

Submission:

Labcorp Genetics (formerly Invitae), Labcorp
Classification: Uncertain significance. Last evaluated: 2025-08-04. Review status: criteria provided, single submitter. Criteria: Invitae Variant Classification Sherloc (09022015). Collection method: clinical testing. Allele origin: germline.
Comment: This sequence change replaces methionine, which is neutral and non-polar, with threonine, which is neutral and polar, at codon 866 of the FNIP1 protein (p.Met866Thr). This variant is not present in population databases (gnomAD no frequency). This variant has not been reported in the literature in individuals affected with FNIP1-related conditions. ClinVar contains an entry for this variant (Variation ID: 2803920). An algorithm developed to predict the effect of missense changes on protein structure and function (PolyPhen-2) suggests that this variant is likely to be tolerated. In summary, the available evidence is currently insufficient to determine the role of this variant in disease. Therefore, it has been classified as a Variant of Uncertain Significance.